The following is an entry in ClinVar:

NM_000186.4(CFH):c.2056+4A>G

Gene: CFH (complement factor H; plus strand). Cytogenetic location: 1q31.3.
Variant type: single nucleotide variant.
Coding change: c.2056+4A>G on transcript NM_000186.4 (MANE Select); 4 bases into the intron after coding-DNA position 2056, A replaced by G.
Molecular consequence: intron variant.
Genome position (GRCh38, 1-based): chr1:196,726,656, A>G. VCF-style: chr1-196726656-A-G. GRCh37 (hg19) VCF-style: chr1-196695786-A-G.
Identifiers: ClinVar variation 2022500 (VCV002022500.4), dbSNP rs2529503991, ClinGen allele CA2580061791.

ClinVar aggregate classification (germline): Uncertain significance (1 of 4 stars; one submission).

Submission:

Labcorp Genetics (formerly Invitae), Labcorp
Classification: Uncertain significance. Last evaluated: 2022-09-09. Review status: criteria provided, single submitter. Criteria: Invitae Variant Classification Sherloc (09022015). Collection method: clinical testing. Allele origin: germline.
Comment: This variant has not been reported in the literature in individuals affected with CFH-related conditions. This variant is not present in population databases (gnomAD no frequency). This sequence change falls in intron 13 of the CFH gene. It does not directly change the encoded amino acid sequence of the CFH protein. It affects a nucleotide within the consensus splice site. Variants that disrupt the consensus splice site are a relatively common cause of aberrant splicing (PMID: 17576681, 9536098). Algorithms developed to predict the effect of sequence changes on RNA splicing suggest that this variant may disrupt the consensus splice site. In summary, the available evidence is currently insufficient to determine the role of this variant in disease. Therefore, it has been classified as a Variant of Uncertain Significance.

Literature cited by the submitters: PubMed 17576681; PubMed 9536098.